The following is an entry in ClinVar:

ClinVar aggregate classification (germline): Uncertain significance (1 of 4 stars; one submission).

Submission:

Labcorp Genetics (formerly Invitae), Labcorp
Classification: Uncertain significance. Last evaluated: 2022-03-22. Review status: criteria provided, single submitter. Criteria: Invitae Variant Classification Sherloc (09022015). Collection method: clinical testing. Allele origin: germline.
Comment: This variant is not present in population databases (gnomAD no frequency). This sequence change replaces phenylalanine, which is neutral and non-polar, with serine, which is neutral and polar, at codon 132 of the ARNT2 protein (p.Phe132Ser). This variant has not been reported in the literature in individuals affected with ARNT2-related conditions. In summary, the available evidence is currently insufficient to determine the role of this variant in disease. Therefore, it has been classified as a Variant of Uncertain Significance. Algorithms developed to predict the effect of missense changes on protein structure and function are either unavailable or do not agree on the potential impact of this missense change (SIFT: "Deleterious"; PolyPhen-2: "Benign"; Align-GVGD: "Class C0").

NM_014862.4(ARNT2):c.395T>C (p.Phe132Ser)

Gene: ARNT2 (aryl hydrocarbon receptor nuclear translocator 2; plus strand). Cytogenetic location: 15q25.1.
Variant type: single nucleotide variant.
Coding change: c.395T>C on transcript NM_014862.4 (MANE Select); coding-DNA position 395, T replaced by C.
Protein change: p.Phe132Ser; replaces phenylalanine 132 with serine.
Molecular consequence: missense variant.
Genome position (GRCh38, 1-based): chr15:80,470,418, T>C. VCF-style: chr15-80470418-T-C. GRCh37 (hg19) VCF-style: chr15-80762759-T-C.
Other names: short protein forms F132S.
Identifiers: ClinVar variation 1476879 (VCV001476879.8), dbSNP rs866465455, ClinGen allele CA393654085.